The following is an entry in ClinVar:

ClinVar aggregate classification (germline): Benign. Review status: criteria provided, multiple submitters, no conflicts (2 of 4 stars). 4 submissions from 4 submitters: Benign (4). Last evaluated 2026-01-26.

Conditions:
Congenital stationary night blindness autosomal dominant 3. Also called: NIGHT BLINDNESS, CONGENITAL STATIONARY, NOUGARET TYPE. Identifiers: Orphanet 215, MedGen C1864870, MONDO:0012497, OMIM 610444.

Allele frequency attached by ClinVar (database versions not stated): gnomAD exomes 0.00369; ExAC 0.00472; 1000 Genomes Project 0.01318; 1000 Genomes Project 30x 0.01405; gnomAD 0.01410 and 0.01515; TOPMed 0.01636; ESP Exome Variant Server 0.01715.
gnomAD v4.1: 4,219 of 1,613,976 alleles (0.26%); highest among the groups gnomAD compares: African/African-American, 5%; 97 homozygotes.

Submissions (4):

Labcorp Genetics (formerly Invitae), Labcorp
Classification: Benign. Last evaluated: 2026-01-26. Review status: criteria provided, single submitter. Criteria: Invitae Variant Classification Sherloc (09022015). Collection method: clinical testing. Allele origin: germline.

GeneDx
Classification: Benign. Last evaluated: 2021-05-05. Review status: criteria provided, single submitter. Criteria: GeneDx Variant Classification Process June 2021. Collection method: clinical testing. Allele origin: germline. Affected: yes.

Illumina Laboratory Services, Illumina
Classification: Benign for Congenital stationary night blindness autosomal dominant 3. Last evaluated: 2018-01-12. Review status: criteria provided, single submitter. Criteria: ICSL Variant Classification Criteria 13 December 2019. Collection method: clinical testing. Allele origin: germline.
Comment: This variant was observed in the ICSL laboratory as part of a predisposition screen in an ostensibly healthy population. It had not been previously curated by ICSL or reported in the Human Gene Mutation Database (HGMD: prior to June 1st, 2018), and was therefore a candidate for classification through an automated scoring system. Utilizing variant allele frequency, disease prevalence and penetrance estimates, and inheritance mode, an automated score was calculated to assess if this variant is too frequent to cause the disease. Based on the score and internal cut-off values, a variant classified as benign is not then subjected to further curation. The score for this variant resulted in a classification of benign for this disease.

Breakthrough Genomics
Classification: Benign. Review status: criteria provided, single submitter. Criteria: ACMG Guidelines, 2015. Collection method: not provided. Allele origin: germline. Inheritance: Autosomal recessive inheritance. Affected: yes.

NM_144499.3(GNAT1):c.117G>A (p.Glu39=)

Gene: GNAT1 (G protein subunit alpha transducin 1; plus strand). Cytogenetic location: 3p21.31.
Variant type: single nucleotide variant.
Coding change: c.117G>A on transcript NM_144499.3 (MANE Select); coding-DNA position 117, G replaced by A.
Protein change: p.Glu39=; no amino-acid change (glutamic acid 39 retained).
Molecular consequence: synonymous variant.
Genome position (GRCh38, 1-based): chr3:50,193,143, G>A. VCF-style: chr3-50193143-G-A. GRCh37 (hg19) VCF-style: chr3-50230576-G-A.
Other names: c.117G>A, p.Glu39= (NM_000172.4).
Identifiers: ClinVar variation 346047 (VCV000346047.17), dbSNP rs34797487, ClinGen allele CA2412453.
Genomic context (GRCh38, chr3:50,193,143, plus strand): 5'-GGAGGGGGCAGGCTGGTCAGCGCAGCTCTGAGGCGCCGCGTCTCTTTCAGGTGCCGGTGA[G>A]TCCGGGAAGAGCACCATCGTCAAGCAGATGAAGTGAGTGCCCCTGCCTGTCCCGAGGCCC-3'
Protein context (NP_653082.1, residues 29-49): TVKLLLLGAG[Glu39=]SGKSTIVKQM